The following is an entry in ClinVar:

ClinVar aggregate classification (germline): Likely benign. Review status: criteria provided, multiple submitters, no conflicts (2 of 4 stars). 5 submissions from 5 submitters: Likely benign (4). 1 of the submissions does not count toward it. Last evaluated 2025-08-01.

Conditions:
Cardiovascular phenotype. Identifiers: MedGen CN230736.
PTPN11-related disorder. Also called: PTPN11-Related Disorders.
RASopathy. Also called: Noonan spectrum disorder; rasopathies. Identifiers: Orphanet 536391, MedGen C5555857, MONDO:0021060.

Allele frequency attached by ClinVar (database versions not stated): gnomAD 0.00001; TOPMed 0.00001; ExAC 0.00002; gnomAD exomes 0.00002.
gnomAD v4.1: 26 of 1,613,134 alleles (0.0016%); highest among the groups gnomAD compares: South Asian, 0.0055%; no homozygotes.

Submissions (5):

Labcorp Genetics (formerly Invitae), Labcorp
Classification: Likely benign for RASopathy. Last evaluated: 2025-08-01. Review status: criteria provided, single submitter. Criteria: Invitae Variant Classification Sherloc (09022015). Collection method: clinical testing. Allele origin: germline.

Blueprint Genetics
Classification: Likely benign. Last evaluated: 2023-12-11. Review status: criteria provided, single submitter. Criteria: ACMG Guidelines, 2015. Collection method: clinical testing. Allele origin: germline.

GeneDx
Classification: Likely benign. Last evaluated: 2018-05-07. Review status: criteria provided, single submitter. Criteria: GeneDx Variant Classification (06012015). Collection method: clinical testing. Allele origin: germline. Affected: yes.
Comment: This variant is considered likely benign or benign based on one or more of the following criteria: it is a conservative change, it occurs at a poorly conserved position in the protein, it is predicted to be benign by multiple in silico algorithms, and/or has population frequency not consistent with disease.

Ambry Genetics
Classification: Likely benign for Cardiovascular phenotype. Last evaluated: 2018-02-27. Review status: criteria provided, single submitter. Criteria: Ambry Variant Classification Scheme 2023. Collection method: clinical testing. Allele origin: germline.

PreventionGenetics, part of Exact Sciences
Classification: Likely benign for PTPN11-related condition. Last evaluated: 2020-11-11. Review status: no assertion criteria provided. Collection method: clinical testing. Allele origin: germline. Not counted in ClinVar's aggregate classification.
Comment: This variant is classified as likely benign based on ACMG/AMP sequence variant interpretation guidelines (Richards et al. 2015 PMID: 25741868, with internal and published modifications).

NM_002834.5(PTPN11):c.1173C>T (p.Ser391=)

Gene: PTPN11 (protein tyrosine phosphatase non-receptor type 11; plus strand). Cytogenetic location: 12q24.13.
Variant type: single nucleotide variant.
Coding change: c.1173C>T on transcript NM_002834.5 (MANE Select); coding-DNA position 1173, C replaced by T.
Protein change: p.Ser391=; no amino-acid change (serine 391 retained).
Molecular consequence: synonymous variant.
Genome position (GRCh38, 1-based): chr12:112,482,154, C>T. VCF-style: chr12-112482154-C-T. GRCh37 (hg19) VCF-style: chr12-112919958-C-T.
Other names: c.1173C>T (NM_002834.4); c.1173C>T, p.Ser391= (NM_001330437.2, NM_080601.3); c.1170C>T, p.Ser390= (NM_001374625.1).
Identifiers: ClinVar variation 561355 (VCV000561355.14), dbSNP rs770730416, ClinGen allele CA6798732.